The following is an entry in ClinVar:

ClinVar aggregate classification (germline): Uncertain significance (1 of 4 stars; one submission).

Conditions:
Hereditary cancer-predisposing syndrome. Also called: Neoplastic Syndromes, Hereditary; Tumor predisposition; Hereditary Cancer Syndrome; Hereditary neoplastic syndrome. Identifiers: Orphanet 140162, MedGen C0027672, MeSH D009386, MONDO:0015356.

Submission:

Ambry Genetics
Classification: Uncertain significance for Hereditary cancer-predisposing syndrome. Last evaluated: 2024-10-27. Review status: criteria provided, single submitter. Criteria: Ambry Variant Classification Scheme 2023. Collection method: clinical testing. Allele origin: germline.
Comment: The p.N217S variant (also known as c.650A>G), located in coding exon 4 of the PALB2 gene, results from an A to G substitution at nucleotide position 650. The asparagine at codon 217 is replaced by serine, an amino acid with highly similar properties. This amino acid position is conserved. In addition, this alteration is predicted to be tolerated by in silico analysis. Based on the available evidence, the clinical significance of this variant remains unclear.

NM_024675.4(PALB2):c.650A>G (p.Asn217Ser)

Gene: PALB2 (partner and localizer of BRCA2; minus strand). Cytogenetic location: 16p12.2.
Variant type: single nucleotide variant.
Coding change: c.650A>G on transcript NM_024675.4 (MANE Select); coding-DNA position 650, A replaced by G.
Protein change: p.Asn217Ser; replaces asparagine 217 with serine.
Molecular consequence: missense variant. On other transcripts: 5 prime UTR variant (8), intron variant (3).
Genome position (GRCh38, 1-based): chr16:23,635,896, T>C on the plus strand (A>G on the coding strand, the complement: PALB2 is on the minus strand). VCF-style: chr16-23635896-T-C. GRCh37 (hg19) VCF-style: chr16-23647217-T-C.
Other names: c.590A>G, p.Asn197Ser (NM_001407296.1); c.650A>G, p.Asn217Ser (NM_001407297.1, NM_001407298.1, NM_001407299.1 and 3 more transcripts); c.-236A>G (NM_001407304.1, NM_001407305.1, NM_001407306.1 and 5 more transcripts); c.48+5214A>G (NM_001407314.1); c.-105+5214A>G (NM_001407313.1, NM_001407312.1); short protein forms N217S, N197S.
Identifiers: ClinVar variation 3413402 (VCV003413402.1).